The following is an entry in ClinVar:

NM_000719.7(CACNA1C):c.4784G>A (p.Arg1595Gln)

Gene: CACNA1C (calcium voltage-gated channel subunit alpha1 C; plus strand). Cytogenetic location: 12p13.33.
Variant type: single nucleotide variant.
Coding change: c.4784G>A on transcript NM_000719.7 (MANE Select); coding-DNA position 4784, G replaced by A.
Protein change: p.Arg1595Gln; replaces arginine 1595 with glutamine.
Molecular consequence: missense variant.
Genome position (GRCh38, 1-based): chr12:2,674,598, G>A. VCF-style: chr12-2674598-G-A. GRCh37 (hg19) VCF-style: chr12-2783764-G-A.
Other names: c.4928G>A, p.Arg1643Gln (NM_001129827.2, NM_199460.4); c.4907G>A, p.Arg1636Gln (NM_001129829.2); c.4784G>A, p.Arg1595Gln (NM_001129830.3, NM_001129840.2, NM_001129841.2 and 4 more transcripts); c.4868G>A, p.Arg1623Gln (NM_001129831.2); c.4844G>A, p.Arg1615Gln (NM_001129832.2); c.4841G>A, p.Arg1614Gln (NM_001129833.2, NM_001129834.2, NM_001129835.2); c.4835G>A, p.Arg1612Gln (NM_001129836.2); c.4808G>A, p.Arg1603Gln (NM_001129837.2, NM_001129838.2); and 3 more; short protein forms R1595Q, R1643Q, R1584Q, R1601Q, R1612Q, R1615Q, R1603Q, R1614Q.
Identifiers: ClinVar variation 1510157 (VCV001510157.9), dbSNP rs1313283709, ClinGen allele CA383377775.

ClinVar aggregate classification (germline): Uncertain significance. Review status: criteria provided, multiple submitters, no conflicts (2 of 4 stars). 2 submissions from 2 submitters: Uncertain significance (2). Last evaluated 2025-11-17.

Conditions:
Long QT syndrome (LQTS). Identifiers: MedGen C0023976, MeSH D008133, MONDO:0002442. Disease mechanism: loss of function. Inheritance: Various modes of inheritance.
Timothy syndrome (TS). Also called: LONG QT SYNDROME WITH SYNDACTYLY. Identifiers: Orphanet 65283, MedGen C1832916, MeSH C536962, MONDO:0010979, OMIM 601005.
Brugada syndrome 3 (BRGDA3). Identifiers: Orphanet 130, MedGen C2678478, MONDO:0012742, OMIM 611875.
Long QT syndrome 8. Identifiers: MedGen CN260585, MONDO:0032756, OMIM 618447.
Neurodevelopmental disorder with hypotonia, language delay, and skeletal defects with or without seizures (NEDHLSS). Identifiers: MedGen C5774213, MONDO:0859286, OMIM 620029.

Allele frequency attached by ClinVar (database versions not stated): gnomAD exomes below 0.00001.
gnomAD v4.1: 1 of 1,576,650 alleles (0.000063%); highest among the groups gnomAD compares: Non-Finnish European, 0.000086%; no homozygotes.

Submissions (2):

Labcorp Genetics (formerly Invitae), Labcorp
Classification: Uncertain significance for Long QT syndrome. Last evaluated: 2025-11-17. Review status: criteria provided, single submitter. Criteria: Invitae Variant Classification Sherloc (09022015). Collection method: clinical testing. Allele origin: germline.
Comment: This sequence change replaces arginine, which is basic and polar, with glutamine, which is neutral and polar, at codon 1595 of the CACNA1C protein (p.Arg1595Gln). This variant is not present in population databases (gnomAD no frequency). This variant has not been reported in the literature in individuals affected with CACNA1C-related conditions. ClinVar contains an entry for this variant (Variation ID: 1510157). Invitae Evidence Modeling of protein sequence and biophysical properties (such as structural, functional, and spatial information, amino acid conservation, physicochemical variation, residue mobility, and thermodynamic stability) indicates that this missense variant is expected to disrupt CACNA1C protein function with a positive predictive value of 95%. In summary, the available evidence is currently insufficient to determine the role of this variant in disease. Therefore, it has been classified as a Variant of Uncertain Significance.

Dr. med. U. Finckh, Human Genetics, Eurofins MVZ
Classification: Uncertain significance for Brugada syndrome 3; Long QT syndrome 8; Neurodevelopmental disorder with hypotonia, language delay, and skeletal defects with or without seizures; Timothy syndrome. Last evaluated: 2023-08-14. Review status: criteria provided, single submitter. Criteria: ACMG Guidelines, 2015. Collection method: clinical testing. Allele origin: de novo. Observed: 1 heterozygote.
Comment: PM6, PM2_SUP, PP3_MOD. Findings are suggestive of a likely pathogenic role for "Neurodevelopmental disorder with hypotonia, language delay, and skeletal defects with or without seizures". Formally yet classified as uncertain variant.